The following is an entry in ClinVar:

ClinVar aggregate classification (germline): Likely benign. Review status: criteria provided, multiple submitters, no conflicts (2 of 4 stars). 2 submissions from 2 submitters: Likely benign (2). Last evaluated 2024-11-04.

Allele frequency attached by ClinVar (database versions not stated): TOPMed 0.00028; gnomAD 0.00041; ExAC 0.00042; gnomAD exomes 0.00042; ESP Exome Variant Server 0.00069.
gnomAD v4.1: 664 of 1,613,992 alleles (0.041%); highest among the groups gnomAD compares: South Asian, 0.059%; no homozygotes.

Submissions (2):

Labcorp Genetics (formerly Invitae), Labcorp
Classification: Likely benign. Last evaluated: 2024-11-04. Review status: criteria provided, single submitter. Criteria: Invitae Variant Classification Sherloc (09022015). Collection method: clinical testing. Allele origin: germline.

CeGaT Center for Human Genetics Tuebingen
Classification: Likely benign. Last evaluated: 2023-09-01. Review status: criteria provided, single submitter. Criteria: CeGaT Center For Human Genetics Tuebingen Variant Classification Criteria Version 2. Collection method: clinical testing. Allele origin: germline. Affected: yes. Observed: 1 variant allele.
Comment: CNTNAP1: BP4, BP7

NM_003632.3(CNTNAP1):c.2457G>A (p.Ser819=)

Gene: CNTNAP1 (contactin associated protein 1; plus strand). Cytogenetic location: 17q21.2.
Variant type: single nucleotide variant.
Coding change: c.2457G>A on transcript NM_003632.3 (MANE Select); coding-DNA position 2457, G replaced by A.
Protein change: p.Ser819=; no amino-acid change (serine 819 retained).
Molecular consequence: synonymous variant.
Genome position (GRCh38, 1-based): chr17:42,691,918, G>A. VCF-style: chr17-42691918-G-A. GRCh37 (hg19) VCF-style: chr17-40843936-G-A.
Identifiers: ClinVar variation 2647801 (VCV002647801.27), dbSNP rs143435613, ClinGen allele CA8582056.